The following is an entry in ClinVar:

ClinVar aggregate classification (germline): Uncertain significance (1 of 4 stars; one submission).

Submission:

GeneDx
Classification: Uncertain significance. Last evaluated: 2024-07-17. Review status: criteria provided, single submitter. Criteria: GeneDx Variant Classification Process June 2021. Collection method: clinical testing. Allele origin: germline. Affected: yes.
Comment: Not observed at significant frequency in large population cohorts (gnomAD); In silico analysis indicates that this missense variant does not alter protein structure/function; Has not been previously published as pathogenic or benign to our knowledge

NM_003587.5(DHX16):c.1810G>A (p.Val604Met)

Gene: DHX16 (DEAH-box helicase 16; minus strand). Cytogenetic location: 6p21.33.
Variant type: single nucleotide variant.
Coding change: c.1810G>A on transcript NM_003587.5 (MANE Select); coding-DNA position 1810, G replaced by A.
Protein change: p.Val604Met; replaces valine 604 with methionine.
Molecular consequence: missense variant.
Genome position (GRCh38, 1-based): chr6:30,659,780, C>T on the plus strand (G>A on the coding strand, the complement: DHX16 is on the minus strand). VCF-style: chr6-30659780-C-T. GRCh37 (hg19) VCF-style: chr6-30627557-C-T.
Other names: c.1630G>A, p.Val544Met (NM_001164239.2); c.367G>A, p.Val123Met (NM_001363515.2); short protein forms V123M, V544M, V604M.
Identifiers: ClinVar variation 3573812 (VCV003573812.1).